The following is an entry in ClinVar:

ClinVar aggregate classification (germline): Uncertain significance (1 of 4 stars; one submission).

Submission:

Labcorp Genetics (formerly Invitae), Labcorp
Classification: Uncertain significance. Last evaluated: 2024-08-16. Review status: criteria provided, single submitter. Criteria: Invitae Variant Classification Sherloc (09022015). Collection method: clinical testing. Allele origin: germline.
Comment: This sequence change replaces glycine, which is neutral and non-polar, with serine, which is neutral and polar, at codon 532 of the KRT6B protein (p.Gly532Ser). This variant is present in population databases (rs143946299, gnomAD 0.02%). This variant has not been reported in the literature in individuals affected with KRT6B-related conditions. Invitae Evidence Modeling of protein sequence and biophysical properties (such as structural, functional, and spatial information, amino acid conservation, physicochemical variation, residue mobility, and thermodynamic stability) indicates that this missense variant is not expected to disrupt KRT6B protein function with a negative predictive value of 95%. In summary, the available evidence is currently insufficient to determine the role of this variant in disease. Therefore, it has been classified as a Variant of Uncertain Significance.

NM_005555.4(KRT6B):c.1594G>A (p.Gly532Ser)

Gene: KRT6B (keratin 6B; minus strand). Cytogenetic location: 12q13.13.
Variant type: single nucleotide variant.
Coding change: c.1594G>A on transcript NM_005555.4 (MANE Select); coding-DNA position 1594, G replaced by A.
Protein change: p.Gly532Ser; replaces glycine 532 with serine.
Molecular consequence: missense variant.
Genome position (GRCh38, 1-based): chr12:52,447,291, C>T on the plus strand (G>A on the coding strand, the complement: KRT6B is on the minus strand). VCF-style: chr12-52447291-C-T. GRCh37 (hg19) VCF-style: chr12-52841075-C-T.
Other names: short protein forms G532S.
Identifiers: ClinVar variation 3638256 (VCV003638256.2).